The following is an entry in ClinVar:

NM_000081.4(LYST):c.2153T>C (p.Leu718Ser)

Gene: LYST (lysosomal trafficking regulator; minus strand). Cytogenetic location: 1q42.3.
Variant type: single nucleotide variant.
Coding change: c.2153T>C on transcript NM_000081.4 (MANE Select); coding-DNA position 2153, T replaced by C.
Protein change: p.Leu718Ser; replaces leucine 718 with serine.
Molecular consequence: missense variant.
Genome position (GRCh38, 1-based): chr1:235,808,665, A>G on the plus strand (T>C on the coding strand, the complement: LYST is on the minus strand). VCF-style: chr1-235808665-A-G. GRCh37 (hg19) VCF-style: chr1-235971965-A-G.
Other names: c.2153T>C, p.Leu718Ser (NM_001301365.1); short protein forms L718S.
Identifiers: ClinVar variation 1390978 (VCV001390978.5), dbSNP rs2527104885, ClinGen allele CA344958973.

ClinVar aggregate classification (germline): Uncertain significance (1 of 4 stars; one submission).

Conditions:
Chédiak-Higashi syndrome (CHS). Also called: Chediak-Higashi Syndrome. Identifiers: Orphanet 167, MedGen C0007965, MONDO:0008963, OMIM 214500.

Submission:

Labcorp Genetics (formerly Invitae), Labcorp
Classification: Uncertain significance for Chédiak-Higashi syndrome. Last evaluated: 2021-11-02. Review status: criteria provided, single submitter. Criteria: Invitae Variant Classification Sherloc (09022015). Collection method: clinical testing. Allele origin: germline.
Comment: This sequence change replaces leucine, which is neutral and non-polar, with serine, which is neutral and polar, at codon 718 of the LYST protein (p.Leu718Ser). This variant is not present in population databases (gnomAD no frequency). This variant has not been reported in the literature in individuals affected with LYST-related conditions. Algorithms developed to predict the effect of missense changes on protein structure and function are either unavailable or do not agree on the potential impact of this missense change (SIFT: "Deleterious"; PolyPhen-2: "Probably Damaging"; Align-GVGD: "Class C0"). In summary, the available evidence is currently insufficient to determine the role of this variant in disease. Therefore, it has been classified as a Variant of Uncertain Significance.